The following is an entry in ClinVar:

ClinVar aggregate classification (germline): Uncertain significance (1 of 4 stars; one submission).

Conditions:
Griscelli syndrome type 2 (GS2). Also called: GRISCELLI SYNDROME WITH HEMOPHAGOCYTIC SYNDROME; PAID SYNDROME; PARTIAL ALBINISM AND IMMUNODEFICIENCY SYNDROME. Identifiers: Orphanet 381, Orphanet 79477, MedGen C1868679, MONDO:0011872, OMIM 607624.

Allele frequency attached by ClinVar (database versions not stated): ExAC 0.00001; gnomAD exomes 0.00001 and 0.00002; TOPMed 0.00003; gnomAD 0.00004 and 0.00005; ESP Exome Variant Server 0.00008.
gnomAD v4.1: 18 of 1,613,282 alleles (0.0011%); highest among the groups gnomAD compares: African/African-American, 0.004%; no homozygotes.

Submission:

Labcorp Genetics (formerly Invitae), Labcorp
Classification: Uncertain significance for Griscelli syndrome type 2. Last evaluated: 2022-05-04. Review status: criteria provided, single submitter. Criteria: Invitae Variant Classification Sherloc (09022015). Collection method: clinical testing. Allele origin: germline.
Comment: This sequence change replaces threonine, which is neutral and polar, with isoleucine, which is neutral and non-polar, at codon 86 of the RAB27A protein (p.Thr86Ile). This variant is present in population databases (rs369777755, gnomAD 0.004%). This variant has not been reported in the literature in individuals affected with RAB27A-related conditions. ClinVar contains an entry for this variant (Variation ID: 1018190). Advanced modeling of protein sequence and biophysical properties (such as structural, functional, and spatial information, amino acid conservation, physicochemical variation, residue mobility, and thermodynamic stability) performed at Invitae indicates that this missense variant is expected to disrupt RAB27A protein function. In summary, the available evidence is currently insufficient to determine the role of this variant in disease. Therefore, it has been classified as a Variant of Uncertain Significance.

NM_183235.3(RAB27A):c.257C>T (p.Thr86Ile)

Gene: RAB27A (RAB27A, member RAS oncogene family; minus strand). Cytogenetic location: 15q21.3.
Variant type: single nucleotide variant.
Coding change: c.257C>T on transcript NM_183235.3 (MANE Select); coding-DNA position 257, C replaced by T.
Protein change: p.Thr86Ile; replaces threonine 86 with isoleucine.
Molecular consequence: missense variant.
Genome position (GRCh38, 1-based): chr15:55,228,695, G>A on the plus strand (C>T on the coding strand, the complement: RAB27A is on the minus strand). VCF-style: chr15-55228695-G-A. GRCh37 (hg19) VCF-style: chr15-55520893-G-A.
Other names: c.257C>T, p.Thr86Ile (NM_004580.5, NM_183234.3, NM_183236.3); short protein forms T86I.
Identifiers: ClinVar variation 1018190 (VCV001018190.6), dbSNP rs369777755, ClinGen allele CA7573630.